The following is an entry in ClinVar:

ClinVar aggregate classification (germline): Likely pathogenic (1 of 4 stars; one submission).

Conditions:
Premature ovarian failure 8 (POF8). Identifiers: MedGen C3810367, MONDO:0014321, OMIM 615723.

Submission:

Molecular Genetics Department, Kulakov National Medical Research Center for Obstetrics, Gynecology and Perinatology
Classification: Likely pathogenic for Premature ovarian failure 8. Review status: criteria provided, single submitter. Criteria: ACMG Guidelines, 2015. Collection method: clinical testing. Allele origin: germline. Affected: yes.
Comment: A previously undescribed nucleotide variant creates a premature translation stop signal p.Glu1184Ter in the STAG3 gene. Homozygous and compound heterozygous variants are reported in patients with Premature ovarian failure 8, 615723. The variant is not present in population database (gnomAD no frequency). In summary, the currently available evidence indicates that the variant is pathogenic, but additional data are needed to prove that conclusively. Therefore, this variant has been classified as likely pathogenic.

NM_001282717.2(STAG3):c.3550G>T (p.Glu1184Ter)

Gene: STAG3 (STAG3 cohesin complex component; plus strand). Cytogenetic location: 7q22.1.
Variant type: single nucleotide variant.
Coding change: c.3550G>T on transcript NM_001282717.2 (MANE Select); coding-DNA position 3550, G replaced by T.
Protein change: p.Glu1184Ter; replaces glutamic acid 1184 with a stop codon.
Molecular consequence: nonsense. On other transcripts: non-coding transcript variant (2).
Genome position (GRCh38, 1-based): chr7:100,211,826, G>T. VCF-style: chr7-100211826-G-T. GRCh37 (hg19) VCF-style: chr7-99809449-G-T.
Other names: c.3547G>T, p.Glu1183Ter (NM_001282716.1, NM_012447.4); c.3373G>T, p.Glu1125Ter (NM_001282718.2); c.3550G>T, p.Glu1184Ter (NM_001375438.1); short protein forms E1125*, E1183*, E1184*.
Identifiers: ClinVar variation 3062323 (VCV003062323.1), dbSNP rs752098175, ClinGen allele CA368442567.